The following is an entry in ClinVar:

NM_001128.6(AP1G1):c.469-5del

Gene: AP1G1 (adaptor related protein complex 1 subunit gamma 1; minus strand). Cytogenetic location: 16q22.2.
Variant type: Deletion.
Coding change: c.469-5del on transcript NM_001128.6 (MANE Select); 5 bases into the intron before coding-DNA position 469, one base deleted (C; older notation c.469-5delC).
Molecular consequence: intron variant.
Genome position (GRCh38, 1-based): chr16:71,771,257, G deleted on the plus strand (C on the coding strand, the reverse complement: AP1G1 is on the minus strand). VCF-style (leftmost placement, unchanged base first): chr16-71771256-TG-T. GRCh37 (hg19) VCF-style: chr16-71805159-TG-T.
Other names: c.469-5del (NM_001030007.2).
Identifiers: ClinVar variation 3355971 (VCV003355971.1).

ClinVar aggregate classification (germline): Likely benign (0 of 4 stars; one submission).

Conditions:
AP1G1-related disorder. Also called: AP1G1-related condition.

Submission:

PreventionGenetics, part of Exact Sciences
Classification: Likely benign for AP1G1-related condition. Last evaluated: 2024-07-11. Review status: no assertion criteria provided. Collection method: clinical testing. Allele origin: germline.
Comment: This variant is classified as likely benign based on ACMG/AMP sequence variant interpretation guidelines (Richards et al. 2015 PMID: 25741868, with internal and published modifications).